The following is an entry in ClinVar:

NM_001365999.1(SZT2):c.435C>G (p.Phe145Leu)

Gene: SZT2 (SZT2 subunit of KICSTOR complex; plus strand). Cytogenetic location: 1p34.2.
Variant type: single nucleotide variant.
Coding change: c.435C>G on transcript NM_001365999.1 (MANE Select); coding-DNA position 435, C replaced by G.
Protein change: p.Phe145Leu; replaces phenylalanine 145 with leucine.
Molecular consequence: missense variant.
Genome position (GRCh38, 1-based): chr1:43,404,487, C>G. VCF-style: chr1-43404487-C-G. GRCh37 (hg19) VCF-style: chr1-43870158-C-G.
Other names: c.435C>G, p.Phe145Leu (NM_015284.4); short protein forms F145L.
Identifiers: ClinVar variation 935329 (VCV000935329.9), dbSNP rs746489525, ClinGen allele CA808166.

ClinVar aggregate classification (germline): Uncertain significance (1 of 4 stars; one submission).

Allele frequency attached by ClinVar (database versions not stated): gnomAD 0.00001; gnomAD exomes 0.00001 and 0.00002; TOPMed 0.00001; ExAC 0.00004.
gnomAD v4.1: 16 of 1,613,938 alleles (0.00099%); highest among the groups gnomAD compares: Non-Finnish European, 0.0014%; no homozygotes.

Submission:

Labcorp Genetics (formerly Invitae), Labcorp
Classification: Uncertain significance. Last evaluated: 2020-06-07. Review status: criteria provided, single submitter. Criteria: Invitae Variant Classification Sherloc (09022015). Collection method: clinical testing. Allele origin: germline.
Comment: This sequence change replaces phenylalanine with leucine at codon 145 of the SZT2 protein (p.Phe145Leu). The phenylalanine residue is weakly conserved and there is a small physicochemical difference between phenylalanine and leucine. This variant is present in population databases (rs746489525, ExAC 0.007%). This variant has not been reported in the literature in individuals with SZT2-related conditions. Algorithms developed to predict the effect of missense changes on protein structure and function are either unavailable or do not agree on the potential impact of this missense change (SIFT: "Deleterious"; PolyPhen-2: "Possibly Damaging"; Align-GVGD: "Class C0"). In summary, the available evidence is currently insufficient to determine the role of this variant in disease. Therefore, it has been classified as a Variant of Uncertain Significance.